The following is an entry in ClinVar:

NM_024642.5(GALNT12):c.155C>T (p.Pro52Leu)

Gene: GALNT12 (polypeptide N-acetylgalactosaminyltransferase 12; plus strand). Cytogenetic location: 9q22.33.
Variant type: single nucleotide variant.
Coding change: c.155C>T on transcript NM_024642.5 (MANE Select); coding-DNA position 155, C replaced by T.
Protein change: p.Pro52Leu; replaces proline 52 with leucine.
Molecular consequence: missense variant.
Genome position (GRCh38, 1-based): chr9:98,807,853, C>T. VCF-style: chr9-98807853-C-T. GRCh37 (hg19) VCF-style: chr9-101570135-C-T.
Other names: short protein forms P52L.
Identifiers: ClinVar variation 819532 (VCV000819532.8), dbSNP rs1588436185, ClinGen allele CA374222422.

ClinVar aggregate classification (germline): Uncertain significance. Review status: criteria provided, multiple submitters, no conflicts (2 of 4 stars). 3 submissions from 3 submitters: Uncertain significance (3). Last evaluated 2025-07-07.

Conditions:
Colorectal cancer, susceptibility to, 1. Also called: COLORECTAL ADENOMA AND CANCER, SUSCEPTIBILITY TO; COLORECTAL CANCER, SUSCEPTIBILITY TO, ON CHROMOSOME 9. Identifiers: MedGen C1837315, MONDO:0012132, OMIM 608812.

Allele frequency attached by ClinVar (database versions not stated): gnomAD 0.00001; TOPMed 0.00001; gnomAD exomes 0.00002.
gnomAD v4.1: 15 of 1,003,784 alleles (0.0015%); highest among the groups gnomAD compares: South Asian, 0.009%; no homozygotes.

Submissions (3):

Ambry Genetics
Classification: Uncertain significance. Last evaluated: 2025-07-07. Review status: criteria provided, single submitter. Criteria: Ambry Variant Classification Scheme 2023. Collection method: clinical testing. Allele origin: germline.
Comment: The p.P52L variant (also known as c.155C>T), located in coding exon 1 of the GALNT12 gene, results from a C to T substitution at nucleotide position 155. The proline at codon 52 is replaced by leucine, an amino acid with similar properties. This amino acid position is not well conserved in available vertebrate species. In addition, this alteration is predicted to be tolerated by in silico analysis. Since supporting evidence is limited at this time, the clinical significance of this alteration remains unclear.

Baylor Genetics
Classification: Uncertain significance for Colorectal cancer, susceptibility to, 1. Last evaluated: 2023-10-16. Review status: criteria provided, single submitter. Criteria: ACMG Guidelines, 2015. Collection method: clinical testing. Allele origin: unknown.

Quest Diagnostics Nichols Institute San Juan Capistrano
Classification: Uncertain significance. Last evaluated: 2023-07-03. Review status: criteria provided, single submitter. Criteria: Quest Diagnostics criteria. Collection method: clinical testing. Allele origin: unknown.
Comment: This variant has not been reported in the published literature. It also has not been reported in large, multi-ethnic general populations (Genome Aggregation Database). Analysis of this variant using bioinformatics tools for the prediction of the effect of amino acid changes on protein structure and function yielded predictions that this variant is benign. Based on the available information, we are unable to determine the clinical significance of this variant.